The following is an entry in ClinVar:

ClinVar aggregate classification (germline): Pathogenic (1 of 4 stars; one submission).

Submission:

Labcorp Genetics (formerly Invitae), Labcorp
Classification: Pathogenic. Last evaluated: 2021-02-10. Review status: criteria provided, single submitter. Criteria: Invitae Variant Classification Sherloc (09022015). Collection method: clinical testing. Allele origin: germline.
Comment: This sequence change creates a premature translational stop signal (p.Asn1186Metfs*3) in the COL7A1 gene. It is expected to result in an absent or disrupted protein product. Loss-of-function variants in COL7A1 are known to be pathogenic (PMID: 16971478). For these reasons, this variant has been classified as Pathogenic. Algorithms developed to predict the effect of sequence changes on RNA splicing suggest that this variant may disrupt the consensus splice site, but this prediction has not been confirmed by published transcriptional studies. This variant has not been reported in the literature in individuals with COL7A1-related conditions. It is also known as c.3550+1del. This variant is not present in population databases (ExAC no frequency).

Literature cited by the submitters: PubMed 16971478.

NM_000094.4(COL7A1):c.3550+1del

Gene: COL7A1 (collagen type VII alpha 1 chain; minus strand). Cytogenetic location: 3p21.31.
Variant type: Deletion.
Coding change: c.3550+1del on transcript NM_000094.4 (MANE Select); the canonical splice donor site of the intron after coding-DNA position 3550, one base deleted (G; older notation c.3550+1delG).
Molecular consequence: splice donor variant.
Genome position (GRCh38, 1-based): chr3:48,586,331, C deleted on the plus strand (G on the coding strand, the reverse complement: COL7A1 is on the minus strand); the first of 2 consecutive C bases (chr3:48,586,331-48,586,332); deleting either gives the same sequence. VCF-style (leftmost placement, unchanged base first): chr3-48586330-AC-A. GRCh37 (hg19) VCF-style: chr3-48623763-AC-A.
Identifiers: ClinVar variation 1453931 (VCV001453931.8), dbSNP rs2107748182, ClinGen allele CA2573137304.